The following is an entry in ClinVar:

NM_032485.6(MCM8):c.1033C>T (p.Arg345Ter)

Gene: MCM8 (minichromosome maintenance 8 homologous recombination repair factor; plus strand). Cytogenetic location: 20p12.3.
Variant type: single nucleotide variant.
Coding change: c.1033C>T on transcript NM_032485.6 (MANE Select); coding-DNA position 1033, C replaced by T.
Protein change: p.Arg345Ter; replaces arginine 345 with a stop codon.
Molecular consequence: nonsense. On other transcripts: intron variant (1).
Genome position (GRCh38, 1-based): chr20:5,967,835, C>T. VCF-style: chr20-5967835-C-T. GRCh37 (hg19) VCF-style: chr20-5948481-C-T.
Other names: c.1033C>T, p.Arg345Ter (NM_001281520.2, NM_001281521.2, NM_001281522.2); c.1028-43C>T (NM_182802.3); short protein forms R345*.
Identifiers: ClinVar variation 1806488 (VCV001806488.5), dbSNP rs757546009, ClinGen allele CA9756691.

ClinVar aggregate classification (germline): Conflicting classifications of pathogenicity. Review status: criteria provided, conflicting classifications (1 of 4 stars). 2 submissions from 2 submitters: Likely pathogenic (1); Uncertain significance (1). Last evaluated 2023-05-22.

Conditions:
Premature ovarian failure 10 (POF10). Identifiers: MedGen C4225402, MONDO:0044776, OMIM 612885.

Allele frequency attached by ClinVar (database versions not stated): gnomAD 0.00003; TOPMed 0.00003; ExAC 0.00007.
gnomAD v4.1: 45 of 1,599,550 alleles (0.0028%); highest among the groups gnomAD compares: Middle Eastern, 0.018%; no homozygotes.

Submissions (2):

Revvity Omics, Revvity
Classification: Uncertain significance for Premature ovarian failure 10. Last evaluated: 2023-05-22. Review status: criteria provided, single submitter. Criteria: ACMG Guidelines, 2015. Collection method: clinical testing. Allele origin: germline.

Diagnostics Services (NGS), CSIR - Centre For Cellular And Molecular Biology
Classification: Likely pathogenic for Premature ovarian failure 10. Last evaluated: 2022-12-15. Review status: criteria provided, single submitter. Criteria: ACMG Guidelines, 2015. Collection method: clinical testing. Allele origin: germline. Affected: yes. Observed: 1 variant allele, 1 homozygote.
Comment: The c.1033C>T variant is not present in publicly available population databases like 1000 Genomes, EVS, Indian Exome Database or our in-house exome database. The variant is present in ExAC and gnomAD at low frequencies. This variant has neither been published nor reported to clinical databases like Clinvar, Human Genome Mutation Database (HGMD) or OMIM in any affected individuals. In silico pathogenicity prediction programs like MutationTaster2, CADD, Varsome, Franklin etc predicted the variant to be likely deleterious. This variant creates a premature translational stop signal at the 345th amino acid position of the transcript, which may either result in translation of a truncated protein or cause nonsense-mediated decay of the mRNA.